The following is an entry in ClinVar:

ClinVar aggregate classification (germline): Likely benign (0 of 4 stars; one submission).

Conditions:
ABCG2-related disorder. Also called: ABCG2-related condition.

Allele frequency attached by ClinVar (database versions not stated): TOPMed 0.00002; gnomAD 0.00009; ExAC 0.00036; gnomAD exomes 0.00015.
gnomAD v4.1: 230 of 1,612,120 alleles (0.014%); highest among the groups gnomAD compares: South Asian, 0.24%; 4 homozygotes.

Submission:

PreventionGenetics, part of Exact Sciences
Classification: Likely benign for ABCG2-related condition. Last evaluated: 2022-09-12. Review status: no assertion criteria provided. Collection method: clinical testing. Allele origin: germline.
Comment: This variant is classified as likely benign based on ACMG/AMP sequence variant interpretation guidelines (Richards et al. 2015 PMID: 25741868, with internal and published modifications).

NM_004827.3(ABCG2):c.841+3A>G

Gene: ABCG2 (ATP binding cassette subfamily G member 2 (JR blood group); minus strand). Cytogenetic location: 4q22.1.
Variant type: single nucleotide variant.
Coding change: c.841+3A>G on transcript NM_004827.3 (MANE Select); 3 bases into the intron after coding-DNA position 841, A replaced by G.
Molecular consequence: intron variant.
Genome position (GRCh38, 1-based): chr4:88,118,106, T>C on the plus strand (A>G on the coding strand, the complement: ABCG2 is on the minus strand). VCF-style: chr4-88118106-T-C. GRCh37 (hg19) VCF-style: chr4-89039258-T-C.
Other names: c.841+3A>G (NM_001257386.2, NM_001348985.1, NM_001348987.1 and 5 more transcripts); c.631+3A>G (NM_001441211.1, NM_001441213.1, NM_001441212.1); c.688+3A>G (NM_001441210.1).
Identifiers: ClinVar variation 3057392 (VCV003057392.2), dbSNP rs771907414, ClinGen allele CA3004794.
Genomic context (GRCh38, chr4:88,118,106, plus strand): 5'-CCTTTGCTCTCCTTCAGGATTCTATTAATGAAGCATTTTACAGCATAAAAAAGTCAACCA[T>C]ACCAGCTGATTCAAAGTATCCCAAGGCCTCCTGAGCAGGCCCGTGGAACATAAGTCTTCC-3'